The following is an entry in ClinVar:

ClinVar aggregate classification (germline): Conflicting classifications of pathogenicity. Review status: criteria provided, conflicting classifications (1 of 4 stars). 5 submissions from 3 submitters: Uncertain significance (3); Benign (1). 1 of the submissions does not count toward it. Last evaluated 2018-01-12.

Conditions:
PTPN11-related disorder. Also called: PTPN11-Related Disorders.
LEOPARD syndrome 1 (LPRD1). Also called: LENTIGINOSIS, CARDIOMYOPATHIC; MULTIPLE LENTIGINES SYNDROME; PTPN11-Related LEOPARD Syndrome. Identifiers: Orphanet 500, MedGen C4551484, MONDO:0100082, OMIM 151100.
Noonan syndrome 1 (NS1). Also called: FEMALE PSEUDO-TURNER SYNDROME; TURNER PHENOTYPE WITH NORMAL KARYOTYPE; PTPN11-Related Noonan Syndrome. Identifiers: Orphanet 648, MedGen C4551602, MONDO:0008104, OMIM 163950. Disease mechanism: gain of function.
Metachondromatosis (METCDS). Identifiers: Orphanet 2499, MedGen C0410530, MONDO:0007979, OMIM 156250.

Allele frequency attached by ClinVar (database versions not stated): gnomAD 0.00010 and 0.00012; TOPMed 0.00011.

Submissions (5):

Illumina Laboratory Services, Illumina
Classification: Uncertain significance for Metachondromatosis. Last evaluated: 2018-01-12. Review status: criteria provided, single submitter. Criteria: ICSL Variant Classification Criteria 13 December 2019. Collection method: clinical testing. Allele origin: germline.

Illumina Laboratory Services, Illumina
Classification: Uncertain significance for Noonan syndrome 1. Last evaluated: 2018-01-12. Review status: criteria provided, single submitter. Criteria: ICSL Variant Classification Criteria 13 December 2019. Collection method: clinical testing. Allele origin: germline.

Illumina Laboratory Services, Illumina
Classification: Uncertain significance for LEOPARD syndrome 1. Last evaluated: 2018-01-12. Review status: criteria provided, single submitter. Criteria: ICSL Variant Classification Criteria 13 December 2019. Collection method: clinical testing. Allele origin: germline.

GeneDx
Classification: Benign. Last evaluated: 2013-08-08. Review status: criteria provided, single submitter. Criteria: GeneDx Variant Classification (06012015). Collection method: clinical testing. Allele origin: germline. Affected: yes.
Comment: This variant is considered likely benign or benign based on one or more of the following criteria: it is a conservative change, it occurs at a poorly conserved position in the protein, it is predicted to be benign by multiple in silico algorithms, and/or has population frequency not consistent with disease.

PreventionGenetics, part of Exact Sciences
Classification: Likely benign for PTPN11-related condition. Last evaluated: 2021-05-07. Review status: no assertion criteria provided. Collection method: clinical testing. Allele origin: germline. Not counted in ClinVar's aggregate classification.
Comment: This variant is classified as likely benign based on ACMG/AMP sequence variant interpretation guidelines (Richards et al. 2015 PMID: 25741868, with internal and published modifications).

NM_002834.5(PTPN11):c.*50C>T

Gene: PTPN11 (protein tyrosine phosphatase non-receptor type 11; plus strand). Cytogenetic location: 12q24.13.
Variant type: single nucleotide variant.
Coding change: c.*50C>T on transcript NM_002834.5 (MANE Select); 50 bases downstream of the stop codon, C replaced by T.
Molecular consequence: 3 prime UTR variant.
Genome position (GRCh38, 1-based): chr12:112,505,842, C>T. VCF-style: chr12-112505842-C-T. GRCh37 (hg19) VCF-style: chr12-112943646-C-T.
Other names: c.*50C>T (NM_002834.4, NM_001330437.2, NM_001374625.1).
Identifiers: ClinVar variation 138845 (VCV000138845.8), dbSNP rs730880328, ClinGen allele CA292977.
Genomic context (GRCh38, chr12:112,505,842, plus strand): 5'-AGATATATGTTCCTTAAAAACTCTTAACTTATTTCTTCCCCAGATGTGGACTTTCACCCT[C>T]TCCCTAAAAAGATCAAGAACAGACGCAAGAAAGTTTATGTGAAGACAGAATTTGGATTTG-3'